The following is an entry in ClinVar:

NM_001142800.2(EYS):c.1910_1913del (p.Arg637fs)

Gene: EYS (EGF-like photoreceptor maintenance factor; minus strand). Cytogenetic location: 6q12.
Variant type: Deletion.
Coding change: c.1910_1913del on transcript NM_001142800.2 (MANE Select); coding-DNA positions 1910 to 1913, 4 bases deleted (GGAA; older notation c.1910_1913delGGAA).
Protein change: p.Arg637fs; shifts the reading frame from arginine 637.
Molecular consequence: frameshift variant.
Genome position (GRCh38, 1-based): chr6:65,295,973-65,295,976, TTCC deleted on the plus strand (GGAA on the coding strand, the reverse complement: EYS is on the minus strand); deleting any 4 consecutive bases within chr6:65,295,973-65,295,978 gives the same sequence; the c. name uses the placement nearest the transcript's 3' end. VCF-style (leftmost placement, unchanged base first): chr6-65295972-GTTCC-G. GRCh37 (hg19) VCF-style: chr6-66005865-GTTCC-G.
Other names: c.1910_1913del, p.Arg637fs (NM_001292009.2); short protein forms R637fs.
Identifiers: ClinVar variation 1449045 (VCV001449045.6), dbSNP rs2150286291, ClinGen allele CA2573141038.

ClinVar aggregate classification (germline): Pathogenic (1 of 4 stars; one submission).

Submission:

Labcorp Genetics (formerly Invitae), Labcorp
Classification: Pathogenic. Last evaluated: 2021-09-23. Review status: criteria provided, single submitter. Criteria: Invitae Variant Classification Sherloc (09022015). Collection method: clinical testing. Allele origin: germline.
Comment: This sequence change creates a premature translational stop signal (p.Arg637Thrfs*5) in the EYS gene. It is expected to result in an absent or disrupted protein product. Loss-of-function variants in EYS are known to be pathogenic (PMID: 18836446, 20333770). This variant is not present in population databases (ExAC no frequency). For these reasons, this variant has been classified as Pathogenic. This variant has not been reported in the literature in individuals affected with EYS-related conditions.

Literature cited by the submitters: PubMed 18836446; PubMed 20333770.